The following is an entry in ClinVar:

ClinVar aggregate classification (germline): Uncertain significance. Review status: criteria provided, multiple submitters, no conflicts (2 of 4 stars). 2 submissions from 2 submitters: Uncertain significance (2). Last evaluated 2025-05-25.

Conditions:
Gastrointestinal stromal tumor. Also called: Gastrointestinal stromal tumor, somatic; Gastrointestinal stroma tumor. Identifiers: Orphanet 44890, MedGen C0238198, MeSH D046152, MONDO:0011719, OMIM 606764, HP:0100723.
Hereditary cancer-predisposing syndrome. Also called: Tumor predisposition; Neoplastic Syndromes, Hereditary; Hereditary neoplastic syndrome; Hereditary Cancer Syndrome. Identifiers: Orphanet 140162, MedGen C0027672, MeSH D009386, MONDO:0015356.

Submissions (2):

Ambry Genetics
Classification: Uncertain significance for Hereditary cancer-predisposing syndrome. Last evaluated: 2025-05-25. Review status: criteria provided, single submitter. Criteria: Ambry Variant Classification Scheme 2023. Collection method: clinical testing. Allele origin: germline.
Comment: The p.A295S variant (also known as c.883G>T), located in coding exon 5 of the PDGFRA gene, results from a G to T substitution at nucleotide position 883. The alanine at codon 295 is replaced by serine, an amino acid with similar properties. This amino acid position is conserved. In addition, this alteration is predicted to be tolerated by in silico analysis. Based on the available evidence, the clinical significance of this variant remains unclear.

Labcorp Genetics (formerly Invitae), Labcorp
Classification: Uncertain significance for Gastrointestinal stromal tumor. Last evaluated: 2024-09-18. Review status: criteria provided, single submitter. Criteria: Invitae Variant Classification Sherloc (09022015). Collection method: clinical testing. Allele origin: germline.
Comment: This sequence change replaces alanine, which is neutral and non-polar, with serine, which is neutral and polar, at codon 295 of the PDGFRA protein (p.Ala295Ser). This variant is not present in population databases (gnomAD no frequency). This variant has not been reported in the literature in individuals affected with PDGFRA-related conditions. ClinVar contains an entry for this variant (Variation ID: 1045511). An algorithm developed to predict the effect of missense changes on protein structure and function (PolyPhen-2) suggests that this variant is likely to be disruptive. In summary, the available evidence is currently insufficient to determine the role of this variant in disease. Therefore, it has been classified as a Variant of Uncertain Significance.

NM_006206.6(PDGFRA):c.883G>T (p.Ala295Ser)

Gene: PDGFRA (platelet derived growth factor receptor alpha; plus strand). Cytogenetic location: 4q12.
Variant type: single nucleotide variant.
Coding change: c.883G>T on transcript NM_006206.6 (MANE Select); coding-DNA position 883, G replaced by T.
Protein change: p.Ala295Ser; replaces alanine 295 with serine.
Molecular consequence: missense variant.
Genome position (GRCh38, 1-based): chr4:54,267,412, G>T. VCF-style: chr4-54267412-G-T. GRCh37 (hg19) VCF-style: chr4-55133579-G-T.
Other names: c.883G>T, p.Ala295Ser (NM_001347827.2, NM_001347829.2); c.958G>T, p.Ala320Ser (NM_001347828.2); c.922G>T, p.Ala308Ser (NM_001347830.2); c.883G>T (NM_006206.4); short protein forms A308S, A295S, A320S.
Identifiers: ClinVar variation 1045511 (VCV001045511.10), dbSNP rs1723092007, ClinGen allele CA356891314.